The following is an entry in ClinVar:

ClinVar aggregate classification (germline): Uncertain significance (1 of 4 stars; one submission).

Submission:

GeneDx
Classification: Uncertain significance. Last evaluated: 2025-05-02. Review status: criteria provided, single submitter. Criteria: GeneDx Variant Classification Process June 2021. Collection method: clinical testing. Allele origin: germline. Affected: yes.
Comment: Not observed at significant frequency in large population cohorts (gnomAD); In silico analysis suggests that this missense variant does not alter protein structure/function; Has not been previously published as pathogenic or benign to our knowledge

NM_006922.4(SCN3A):c.931A>C (p.Ser311Arg)

Gene: SCN3A (sodium voltage-gated channel alpha subunit 3; minus strand). Cytogenetic location: 2q24.3.
Variant type: single nucleotide variant.
Coding change: c.931A>C on transcript NM_006922.4 (MANE Select); coding-DNA position 931, A replaced by C.
Protein change: p.Ser311Arg; replaces serine 311 with arginine.
Molecular consequence: missense variant.
Genome position (GRCh38, 1-based): chr2:165,162,592, T>G on the plus strand (A>C on the coding strand, the complement: SCN3A is on the minus strand). VCF-style: chr2-165162592-T-G. GRCh37 (hg19) VCF-style: chr2-166019102-T-G.
Other names: c.931A>C, p.Ser311Arg (NM_001081676.2, NM_001081677.2); short protein forms S311R.
Identifiers: ClinVar variation 4527845 (VCV004527845.1).
Genomic context (GRCh38, chr2:165,162,592, plus strand): 5'-TTAACATAATGTAATACTTCTTACTGTCATCTCCAATGTAATCCTTCCAGTTAAATGTGC[T>G]CATTGTTACATTAACAAATGTCCCATTTGAATCCATTGTGCCATTAAAGTAGGAAGTGGT-3'
Protein context (NP_008853.3, residues 301-321): SNGTFVNVTM[Ser311Arg]TFNWKDYIGD